The following is an entry in ClinVar:

NM_003000.3(SDHB):c.543C>A (p.Asp181Glu)

Gene: SDHB (succinate dehydrogenase complex iron sulfur subunit B; minus strand). Cytogenetic location: 1p36.13.
Variant type: single nucleotide variant.
Coding change: c.543C>A on transcript NM_003000.3 (MANE Select); coding-DNA position 543, C replaced by A.
Protein change: p.Asp181Glu; replaces aspartic acid 181 with glutamic acid.
Molecular consequence: missense variant.
Genome position (GRCh38, 1-based): chr1:17,024,072, G>T on the plus strand (C>A on the coding strand, the complement: SDHB is on the minus strand). VCF-style: chr1-17024072-G-T. GRCh37 (hg19) VCF-style: chr1-17350567-G-T.
Other names: c.489C>A, p.Asp163Glu (NM_001407361.1); short protein forms D163E, D181E.
Identifiers: ClinVar variation 1747529 (VCV001747529.5), dbSNP rs199809975, ClinGen allele CA338271475.

ClinVar aggregate classification (germline): Uncertain significance. Review status: criteria provided, multiple submitters, no conflicts (2 of 4 stars). 2 submissions from 2 submitters: Uncertain significance (2). Last evaluated 2023-07-14.

Conditions:
Pheochromocytoma. Also called: MAX-Related Hereditary Paraganglioma-Pheochromocytoma Syndrome. Identifiers: Orphanet 29072, MedGen C0031511, MONDO:0008233, OMIM 171300, HP:0002666.
Pheochromocytoma/paraganglioma syndrome 4. Also called: CAROTID BODY TUMORS AND MULTIPLE EXTRAADRENAL PHEOCHROMOCYTOMAS; PARAGANGLIOMA, FAMILIAL MALIGNANT; PARAGANGLIOMAS, HEREDITARY EXTRAADRENAL; PHEOCHROMOCYTOMA, FAMILIAL EXTRAADRENAL; Paragangliomas 4; SDHB-Related Hereditary Paraganglioma-Pheochromocytoma Syndrome (Paragangliomas 4). Identifiers: Orphanet 29072, MedGen C1861848, MONDO:0007273, OMIM 115310.
Gastrointestinal stromal tumor. Also called: Gastrointestinal stromal tumor, somatic; Gastrointestinal stroma tumor. Identifiers: Orphanet 44890, MedGen C0238198, MeSH D046152, MONDO:0011719, OMIM 606764, HP:0100723.
Hereditary cancer-predisposing syndrome. Also called: Neoplastic Syndromes, Hereditary; Tumor predisposition; Hereditary Cancer Syndrome; Hereditary neoplastic syndrome. Identifiers: Orphanet 140162, MedGen C0027672, MeSH D009386, MONDO:0015356.

Submissions (2):

Labcorp Genetics (formerly Invitae), Labcorp
Classification: Uncertain significance for Gastrointestinal stromal tumor; Pheochromocytoma/paraganglioma syndrome 4; Pheochromocytoma. Last evaluated: 2023-07-14. Review status: criteria provided, single submitter. Criteria: Invitae Variant Classification Sherloc (09022015). Collection method: clinical testing. Allele origin: germline.
Comment: This variant has not been reported in the literature in individuals affected with SDHB-related conditions. In summary, the available evidence is currently insufficient to determine the role of this variant in disease. Therefore, it has been classified as a Variant of Uncertain Significance. An algorithm developed to predict the effect of missense changes on protein structure and function (PolyPhen-2) suggests that this variant is likely to be disruptive. ClinVar contains an entry for this variant (Variation ID: 1747529). This variant is not present in population databases (gnomAD no frequency). This sequence change replaces aspartic acid, which is acidic and polar, with glutamic acid, which is acidic and polar, at codon 181 of the SDHB protein (p.Asp181Glu).

Ambry Genetics
Classification: Uncertain significance for Hereditary cancer-predisposing syndrome. Last evaluated: 2020-05-29. Review status: criteria provided, single submitter. Criteria: Ambry Variant Classification Scheme 2023. Collection method: clinical testing. Allele origin: germline.
Comment: The p.D181E variant (also known as c.543C>A), located in coding exon 6 of the SDHB gene, results from a C to A substitution at nucleotide position 543. The aspartic acid at codon 181 is replaced by glutamic acid, an amino acid with highly similar properties. This amino acid position is highly conserved in available vertebrate species. In addition, this alteration is predicted to be deleterious by in silico analysis. Since supporting evidence is limited at this time, the clinical significance of this alteration remains unclear.